The following is an entry in ClinVar:

NM_000051.4(ATM):c.4760C>A (p.Pro1587His)

Gene: ATM (ATM serine/threonine kinase; plus strand). Cytogenetic location: 11q22.3.
Variant type: single nucleotide variant.
Coding change: c.4760C>A on transcript NM_000051.4 (MANE Select); coding-DNA position 4760, C replaced by A.
Protein change: p.Pro1587His; replaces proline 1587 with histidine.
Molecular consequence: missense variant.
Genome position (GRCh38, 1-based): chr11:108,293,461, C>A. VCF-style: chr11-108293461-C-A. GRCh37 (hg19) VCF-style: chr11-108164188-C-A.
Other names: c.4760C>A, p.Pro1587His (NM_001351834.2); short protein forms P1587H.
Identifiers: ClinVar variation 1473497 (VCV001473497.10), dbSNP rs748044422, ClinGen allele CA6265534.
Genomic context (GRCh38, chr11:108,293,461, plus strand): 5'-ACCATGTTGTTTTTAAGGATTTGCGTATTACTCAGCAAAAAATCAAATACAGTAGAGGAC[C>A]CTTTTCACTCTTGGAGGTAATAAAAATTTCATCATCTACTATTTTTTATTAGAGAACATA-3'
Protein context (NP_000042.3, residues 1577-1597): TQQKIKYSRG[Pro1587His]FSLLEEINHF

ClinVar aggregate classification (germline): Uncertain significance. Review status: criteria provided, multiple submitters, no conflicts (2 of 4 stars). 2 submissions from 2 submitters: Uncertain significance (2). Last evaluated 2022-07-11.

Conditions:
Ataxia-telangiectasia syndrome (AT). Also called: ATAXIA-TELANGIECTASIA, COMPLEMENTATION GROUP A; ATAXIA-TELANGIECTASIA, FRESNO VARIANT; LOUIS-BAR SYNDROME; Ataxia-telangiectasia; Cerebello-oculocutaneous telangiectasia; Immunodeficiency with ataxia telangiectasia. Identifiers: Orphanet 100, MedGen C0004135, MONDO:0008840, OMIM 208900.
Hereditary cancer-predisposing syndrome. Also called: Hereditary neoplastic syndrome; Tumor predisposition; Neoplastic Syndromes, Hereditary; Hereditary Cancer Syndrome. Identifiers: Orphanet 140162, MedGen C0027672, MeSH D009386, MONDO:0015356.

Allele frequency attached by ClinVar (database versions not stated): ExAC 0.00001.

Submissions (2):

Ambry Genetics
Classification: Uncertain significance for Hereditary cancer-predisposing syndrome. Last evaluated: 2022-07-11. Review status: criteria provided, single submitter. Criteria: Ambry Variant Classification Scheme 2023. Collection method: clinical testing. Allele origin: germline.
Comment: The p.P1587H variant (also known as c.4760C>A), located in coding exon 30 of the ATM gene, results from a C to A substitution at nucleotide position 4760. The proline at codon 1587 is replaced by histidine, an amino acid with similar properties. This alteration has been reported in the germline of 1of 8,920 ethnically matched normal population control subjects but was not seen in 516 samples from a study of chronic lymphocytic leukemia patients of European descent (Tiao G et al. Leukemia, 2017 10;31:2244-2247). This amino acid position is not well conserved in available vertebrate species. In addition, this alteration is predicted to be tolerated by in silico analysis. Since supporting evidence is limited at this time, the clinical significance of this alteration remains unclear.

Labcorp Genetics (formerly Invitae), Labcorp
Classification: Uncertain significance for Ataxia-telangiectasia syndrome. Last evaluated: 2021-02-18. Review status: criteria provided, single submitter. Criteria: Invitae Variant Classification Sherloc (09022015). Collection method: clinical testing. Allele origin: germline.
Comment: In summary, the available evidence is currently insufficient to determine the role of this variant in disease. Therefore, it has been classified as a Variant of Uncertain Significance. Advanced modeling of protein sequence and biophysical properties (such as structural, functional, and spatial information, amino acid conservation, physicochemical variation, residue mobility, and thermodynamic stability) performed at Invitae indicates that this missense variant is not expected to disrupt ATM protein function. This variant has not been reported in the literature in individuals with ATM-related conditions. This variant is present in population databases (rs748044422, ExAC 0.002%). This sequence change replaces proline with histidine at codon 1587 of the ATM protein (p.Pro1587His). The proline residue is moderately conserved and there is a moderate physicochemical difference between proline and histidine.

Literature cited by the submitters: PubMed 28652578 (cited by Ambry Genetics).